The following is an entry in ClinVar:

ClinVar aggregate classification (germline): Likely pathogenic. Review status: criteria provided, multiple submitters, no conflicts (2 of 4 stars). 2 submissions from 2 submitters: Likely pathogenic (2). Last evaluated 2023-04-12.

Conditions:
Sandhoff disease. Also called: GM2-GANGLIOSIDOSIS, TYPE II; Beta-hexosaminidase-beta-subunit deficiency; GM2 gangliosidosis, type 2; Total hexosaminidase deficiency; Sandhoff-Jatzkewitz-Pilz disease; HEXOSAMINIDASES A AND B DEFICIENCY. Identifiers: Orphanet 796, MedGen C0036161, MONDO:0010006, OMIM 268800.

Submissions (2):

Women's Health and Genetics/Laboratory Corporation of America, LabCorp
Classification: Likely pathogenic for Sandhoff disease. Last evaluated: 2023-04-12. Review status: criteria provided, single submitter. Criteria: LabCorp Variant Classification Summary - May 2015. Collection method: clinical testing. Allele origin: germline.
Comment: Variant summary: HEXB c.529C>T (p.Gln177X) results in a premature termination codon, predicted to cause a truncation of the encoded protein or absence of the protein due to nonsense mediated decay, which are commonly known mechanisms for disease. The variant was absent in 247878 control chromosomes. To our knowledge, no occurrence of c.529C>T in individuals affected with Sandhoff Disease and no experimental evidence demonstrating its impact on protein function have been reported. One clinical diagnostic laboratory has submitted clinical-significance assessments for this variant to ClinVar after 2014 and classified the variant as likely pathogenic. Based on the evidence outlined above, the variant was classified as likely pathogenic.

Myriad Genetics, Inc.
Classification: Likely pathogenic for Sandhoff disease. Last evaluated: 2019-03-20. Review status: criteria provided, single submitter. Criteria: Myriad Women's Health Autosomal Recessive and X-Linked Classification Criteria (2019). Collection method: clinical testing. Allele origin: unknown.
Comment: NM_000521.3(HEXB):c.529C>T(Q177*) is expected to be pathogenic in the context of Sandhoff disease. This variant is predicted to lead to an abnormal or absent protein product due to the creation of a premature termination codon in HEXB, a gene where loss-of-function variants are known to be pathogenic. Please note: this variant was assessed in the context of healthy population screening.

NM_000521.4(HEXB):c.529C>T (p.Gln177Ter)

Gene: HEXB (hexosaminidase subunit beta; plus strand). Cytogenetic location: 5q13.3.
Variant type: single nucleotide variant.
Coding change: c.529C>T on transcript NM_000521.4 (MANE Select); coding-DNA position 529, C replaced by T.
Protein change: p.Gln177Ter; replaces glutamine 177 with a stop codon.
Molecular consequence: nonsense. On other transcripts: 5 prime UTR variant (1).
Genome position (GRCh38, 1-based): chr5:74,696,710, C>T. VCF-style: chr5-74696710-C-T. GRCh37 (hg19) VCF-style: chr5-73992535-C-T.
Other names: c.529C>T (NM_000521.3); c.-147C>T (NM_001292004.2); short protein forms Q177*.
Identifiers: ClinVar variation 984042 (VCV000984042.4), dbSNP rs1749120310, ClinGen allele CA360063604.